The following is an entry in ClinVar:

ClinVar aggregate classification (germline): Pathogenic. Review status: criteria provided, multiple submitters, no conflicts (2 of 4 stars). 2 submissions from 2 submitters: Pathogenic (2). Last evaluated 2025-07-08.

Conditions:
Familial adenomatous polyposis 1 (FAP1). Also called: FAMILIAL ADENOMATOUS POLYPOSIS 1, ATTENUATED; POLYPOSIS, ADENOMATOUS INTESTINAL. Identifiers: MedGen C2713442, MONDO:0021056, OMIM 175100. Disease mechanism: loss of function.

Submissions (2):

Labcorp Genetics (formerly Invitae), Labcorp
Classification: Pathogenic for Familial adenomatous polyposis 1. Last evaluated: 2025-07-08. Review status: criteria provided, single submitter. Criteria: Invitae Variant Classification Sherloc (09022015). Collection method: clinical testing. Allele origin: germline.
Comment: This sequence change creates a premature translational stop signal (p.Ile1055Asnfs*4) in the APC gene. While this is not anticipated to result in nonsense mediated decay, it is expected to disrupt the last 1789 amino acid(s) of the APC protein. This variant is not present in population databases (gnomAD no frequency). This premature translational stop signal has been observed in individual(s) with clinical features consistent with familial adenomatous polyposis (PMID: 7746201, 20223039, 31118792). ClinVar contains an entry for this variant (Variation ID: 2583885). This variant is expected to disrupt the EB1 and HDLG binding sites, which mediate interactions with the cytoskeleton (PMID: 15311282, 17293347). While functional studies have not been performed to directly test the effect on APC protein function, this suggests that disruption of the C-terminal portion of the protein is functionally important. A different truncation (p.Tyr2645Lysfs*14) that lies downstream of this variant has been determined to be pathogenic (PMID: 9824584, 1316610, 27081525, 8381579, 22135120, internal data). This suggests that deletion of this region of the APC protein is causative of disease. For these reasons, this variant has been classified as Pathogenic.

Myriad Genetics, Inc.
Classification: Pathogenic for Familial adenomatous polyposis 1. Last evaluated: 2023-05-05. Review status: criteria provided, single submitter. Criteria: Myriad Autosomal Dominant, Autosomal Recessive and X-Linked Classification Criteria (2023). Collection method: clinical testing. Allele origin: unknown.
Comment: This variant is considered pathogenic. This variant creates a frameshift predicted to result in premature protein truncation.

Literature cited by the submitters: PubMed 7746201 (cited by Labcorp Genetics (formerly Invitae), Labcorp); PubMed 20223039 (cited by Labcorp Genetics (formerly Invitae), Labcorp); PubMed 31118792 (cited by Labcorp Genetics (formerly Invitae), Labcorp); PubMed 15311282 (cited by Labcorp Genetics (formerly Invitae), Labcorp); PubMed 17293347 (cited by Labcorp Genetics (formerly Invitae), Labcorp); PubMed 9824584 (cited by Labcorp Genetics (formerly Invitae), Labcorp); PubMed 1316610 (cited by Labcorp Genetics (formerly Invitae), Labcorp); PubMed 27081525 (cited by Labcorp Genetics (formerly Invitae), Labcorp); PubMed 8381579 (cited by Labcorp Genetics (formerly Invitae), Labcorp); PubMed 22135120 (cited by Labcorp Genetics (formerly Invitae), Labcorp).

NM_000038.6(APC):c.3164_3165del (p.Ile1055fs)

Gene: APC (APC regulator of Wnt signaling pathway; plus strand). Cytogenetic location: 5q22.2.
Variant type: Deletion.
Coding change: c.3164_3165del on transcript NM_000038.6 (MANE Select); coding-DNA positions 3164 to 3165, 2 bases deleted (TA; older notation c.3164_3165delTA).
Protein change: p.Ile1055fs; shifts the reading frame from isoleucine 1055.
Molecular consequence: frameshift variant. On other transcripts: non-coding transcript variant (2).
Genome position (GRCh38, 1-based): chr5:112,838,758-112,838,759, TA deleted; deleting any 2 consecutive bases within chr5:112,838,757-112,838,759 gives the same sequence; the c. name uses the placement nearest the transcript's 3' end. VCF-style (leftmost placement, unchanged base first): chr5-112838756-CAT-C. GRCh37 (hg19) VCF-style: chr5-112174453-CAT-C.
Other names: c.3164_3165del, p.Ile1055fs (NM_001127510.3, NM_001354895.2, NM_001407450.1); c.3110_3111del, p.Ile1037fs (NM_001127511.3); c.3218_3219del, p.Ile1073fs (NM_001354896.2, NM_001407447.1, NM_001407448.1 and 1 more transcripts); c.3194_3195del, p.Ile1065fs (NM_001354897.2); c.3089_3090del, p.Ile1030fs (NM_001354898.2); c.3080_3081del, p.Ile1027fs (NM_001354899.2); c.3041_3042del, p.Ile1014fs (NM_001354900.2); c.2987_2988del, p.Ile996fs (NM_001354901.2, NM_001407453.1); and 11 more; short protein forms I1014fs, I1027fs, I1030fs, I1037fs, I1045fs, I1048fs, I1055fs, I1065fs.
Identifiers: ClinVar variation 2583885 (VCV002583885.4), dbSNP rs2533475990, ClinGen allele CA658760879.